The following is an entry in ClinVar:

ClinVar aggregate classification (germline): Uncertain significance (1 of 4 stars; one submission).

Submission:

GeneDx
Classification: Uncertain significance. Last evaluated: 2021-09-20. Review status: criteria provided, single submitter. Criteria: GeneDx Variant Classification Process June 2021. Collection method: clinical testing. Allele origin: germline. Affected: yes.
Comment: Not observed in large population cohorts (Lek et al., 2016); In silico analysis supports that this missense variant has a deleterious effect on protein structure/function; Has not been previously published as pathogenic or benign to our knowledge

NM_001197104.2(KMT2A):c.1690C>A (p.Pro564Thr)

Gene: KMT2A (lysine methyltransferase 2A; plus strand). Cytogenetic location: 11q23.3.
Variant type: single nucleotide variant.
Coding change: c.1690C>A on transcript NM_001197104.2 (MANE Select); coding-DNA position 1690, C replaced by A.
Protein change: p.Pro564Thr; replaces proline 564 with threonine.
Molecular consequence: missense variant.
Genome position (GRCh38, 1-based): chr11:118,472,849, C>A. VCF-style: chr11-118472849-C-A. GRCh37 (hg19) VCF-style: chr11-118343564-C-A.
Other names: c.1690C>A, p.Pro564Thr (NM_005933.4); short protein forms P564T.
Identifiers: ClinVar variation 1314070 (VCV001314070.2), dbSNP rs2134263596, ClinGen allele CA382810698.